The following is an entry in ClinVar:

ClinVar aggregate classification (germline): Likely benign (0 of 4 stars; one submission).

Conditions:
ALG3-related disorder. Also called: ALG3-related condition.

Allele frequency attached by ClinVar (database versions not stated): ExAC 0.00001; gnomAD exomes 0.00004.
gnomAD v4.1: 52 of 1,612,108 alleles (0.0032%); highest among the groups gnomAD compares: Non-Finnish European, 0.0042%; no homozygotes.

Submission:

PreventionGenetics, part of Exact Sciences
Classification: Likely benign for ALG3-related condition. Last evaluated: 2022-03-21. Review status: no assertion criteria provided. Collection method: clinical testing. Allele origin: germline.
Comment: This variant is classified as likely benign based on ACMG/AMP sequence variant interpretation guidelines (Richards et al. 2015 PMID: 25741868, with internal and published modifications).

NM_001006941.2(ALG3):c.15G>A (p.Gln5=)

Genes: ALG3 (ALG3 alpha-1,3- mannosyltransferase; minus strand), LOC129938049 (ATAC-STARR-seq lymphoblastoid active region 20905; plus strand). Cytogenetic location: 3q27.1.
Variant type: single nucleotide variant.
Coding change: c.15G>A on transcript NM_001006941.2; coding-DNA position 15, G replaced by A.
Protein change: p.Gln5=; no amino-acid change (glutamine 5 retained).
Molecular consequence: synonymous variant.
Genome position (GRCh38, 1-based): chr3:184,249,263, C>T on the plus strand (G>A on the coding strand, the complement: ALG3 is on the minus strand). VCF-style: chr3-184249263-C-T. GRCh37 (hg19) VCF-style: chr3-183967051-C-T.
Identifiers: ClinVar variation 3050161 (VCV003050161.2), dbSNP rs779358679, ClinGen allele CA2729729.